The following is an entry in ClinVar:

NM_015046.7(SETX):c.3661AAG[1] (p.Lys1222del)

Gene: SETX (senataxin; minus strand). Cytogenetic location: 9q34.13.
Variant type: Microsatellite.
Coding change: c.3661AAG[1] on transcript NM_015046.7 (MANE Select); one copy of the 3-base unit AAG starting at c.3661; the reference has two copies in a row; one copy, 3 bases deleted.
Protein change: p.Lys1222del; deletes lysine 1222.
Molecular consequence: inframe deletion.
Genome position (GRCh38, 1-based): chr9:132,327,932-132,327,934, CTT deleted on the plus strand (AAG on the coding strand, the reverse complement: SETX is on the minus strand); deleting any 3 consecutive bases within chr9:132,327,932-132,327,937 gives the same sequence; the position shown is the placement nearest the transcript's 3' end. VCF-style (leftmost placement, unchanged base first): chr9-132327931-ACTT-A. GRCh37 (hg19) VCF-style: chr9-135203318-ACTT-A.
Other names: c.3661AAG[1], p.Lys1222del (NM_001351527.2, NM_001351528.2); c.3664_3666delAAG (NM_015046.5); short protein forms K1222del.
Identifiers: ClinVar variation 1328205 (VCV001328205.6), dbSNP rs1238089698, ClinGen allele CA860632318.

ClinVar aggregate classification (germline): Uncertain significance. Review status: criteria provided, multiple submitters, no conflicts (2 of 4 stars). 4 submissions from 4 submitters: Uncertain significance (2). 2 of the submissions do not count toward it. Last evaluated 2025-11-21.

Conditions:
SETX-related disorder. Also called: SETX-related condition; SETX-related disorders. Identifiers: MedGen CN239403.
Amyotrophic lateral sclerosis type 4 (ALS4). Also called: AMYOTROPHIC LATERAL SCLEROSIS 4, JUVENILE; NEURONOPATHY, DISTAL HEREDITARY MOTOR, WITH PYRAMIDAL FEATURES. Identifiers: Orphanet 357043, MedGen C1865409, MONDO:0011223, OMIM 602433.
Spinocerebellar ataxia, autosomal recessive, with axonal neuropathy 2 (SCAN2). Also called: Ataxia-ocular apraxia-2; Ataxia with Oculomotor Apraxia; Ataxia with Oculomotor Apraxia Type 2; ATAXIA-OCULOMOTOR APRAXIA 2. Identifiers: Orphanet 64753, MedGen C1853761, MONDO:0018996, OMIM 606002.

Submissions (4):

Labcorp Genetics (formerly Invitae), Labcorp
Classification: Uncertain significance for Amyotrophic lateral sclerosis type 4; Spinocerebellar ataxia, autosomal recessive, with axonal neuropathy 2. Last evaluated: 2025-11-21. Review status: criteria provided, single submitter. Criteria: Invitae Variant Classification Sherloc (09022015). Collection method: clinical testing. Allele origin: germline.
Comment: This variant, c.3664_3666del, results in the deletion of 1 amino acid(s) of the SETX protein (p.Lys1222del), but otherwise preserves the integrity of the reading frame. This variant is not present in population databases (gnomAD no frequency). This variant has not been reported in the literature in individuals affected with SETX-related conditions. Experimental studies and prediction algorithms are not available or were not evaluated, and the functional significance of this variant is currently unknown. In summary, the available evidence is currently insufficient to determine the role of this variant in disease. Therefore, it has been classified as a Variant of Uncertain Significance.

PreventionGenetics, part of Exact Sciences
Classification: Uncertain significance for SETX-related condition. Last evaluated: 2025-03-20. Review status: criteria provided, single submitter. Criteria: ACMG Guidelines, 2015. Collection method: clinical testing. Allele origin: germline.
Comment: The SETX c.3664_3666delAAG variant is predicted to result in an in-frame deletion (p.Lys1222del). To our knowledge, this variant has not been reported in the literature or in a large population database (gnomAD), indicating this variant is rare. At this time, the clinical significance of this variant is uncertain due to the absence of conclusive functional and genetic evidence.

Clinical Genetics DNA and cytogenetics Diagnostics Lab, Erasmus MC, Erasmus Medical Center
Classification: Uncertain significance. Review status: no assertion criteria provided. Collection method: clinical testing. Allele origin: germline. Affected: yes. Study: VKGL Data-share Consensus. Not counted in ClinVar's aggregate classification.

Diagnostic Laboratory, Department of Genetics, University Medical Center Groningen
Classification: Uncertain significance. Review status: no assertion criteria provided. Collection method: clinical testing. Allele origin: germline. Affected: yes. Study: VKGL Data-share Consensus. Not counted in ClinVar's aggregate classification.